The following is an entry in ClinVar:

ClinVar aggregate classification (germline): Pathogenic/Likely pathogenic. Review status: criteria provided, multiple submitters, no conflicts (2 of 4 stars). 2 submissions from 2 submitters: Pathogenic (1); Likely pathogenic (1). Last evaluated 2024-05-18.

Conditions:
Imerslund-Grasbeck syndrome type 1 (IGS1). Also called: Imerslund-Gräsbeck syndrome 1; Megaloblastic anemia 1, Finnish type; MEGALOBLASTIC ANEMIA, 1. Identifiers: MedGen C4016819, MONDO:0100156, OMIM 261100.
Proteinuria, chronic benign. Identifiers: MedGen C5394384, MONDO:0030042, OMIM 618884.
Imerslund-Grasbeck syndrome. Also called: Imerslund-Gräsbeck syndrome; ENTEROCYTE COBALAMIN MALABSORPTION; ENTEROCYTE INTRINSIC FACTOR RECEPTOR, DEFECT OF; PERNICIOUS ANEMIA, JUVENILE, DUE TO SELECTIVE INTESTINAL MALABSORPTION OF VITAMIN B12, WITH PROTEINURIA; Megaloblastic anemia due to inborn errors of metabolism. Identifiers: Orphanet 35858, MedGen C4551825, MONDO:0009853.

Allele frequency attached by ClinVar (database versions not stated): gnomAD exomes below 0.00001; TOPMed 0.00001.

Submissions (2):

Fulgent Genetics
Classification: Likely pathogenic for Imerslund-Grasbeck syndrome type 1; Proteinuria, chronic benign. Last evaluated: 2024-05-18. Review status: criteria provided, single submitter. Criteria: ACMG Guidelines, 2015. Collection method: clinical testing. Allele origin: germline.

Labcorp Genetics (formerly Invitae), Labcorp
Classification: Pathogenic for Imerslund-Grasbeck syndrome. Last evaluated: 2023-02-27. Review status: criteria provided, single submitter. Criteria: Invitae Variant Classification Sherloc (09022015). Collection method: clinical testing. Allele origin: germline.
Comment: For these reasons, this variant has been classified as Pathogenic. This variant has not been reported in the literature in individuals affected with CUBN-related conditions. This variant is present in population databases (no rsID available, gnomAD 0.006%). This sequence change creates a premature translational stop signal (p.Thr2491Asnfs*5) in the CUBN gene. It is expected to result in an absent or disrupted protein product. Loss-of-function variants in CUBN are known to be pathogenic (PMID: 15024727, 22929189, 25349199, 34979989).

Literature cited by the submitters: PubMed 15024727 (cited by Labcorp Genetics (formerly Invitae), Labcorp); PubMed 22929189 (cited by Labcorp Genetics (formerly Invitae), Labcorp); PubMed 25349199 (cited by Labcorp Genetics (formerly Invitae), Labcorp); PubMed 34979989 (cited by Labcorp Genetics (formerly Invitae), Labcorp).

NM_001081.4(CUBN):c.7471dup (p.Thr2491fs)

Gene: CUBN (cubilin; minus strand). Cytogenetic location: 10p13.
Variant type: Duplication.
Coding change: c.7471dup on transcript NM_001081.4 (MANE Select); coding-DNA position 7471, one base duplicated (A; older notation c.7471dupA).
Protein change: p.Thr2491fs; shifts the reading frame from threonine 2491.
Molecular consequence: frameshift variant.
Genome position (GRCh38, 1-based): chr10:16,913,873, T duplicated on the plus strand (A on the coding strand, the reverse complement: CUBN is on the minus strand). VCF-style (leftmost placement, unchanged base first): chr10-16913872-G-GT. GRCh37 (hg19) VCF-style: chr10-16955871-G-GT.
Other names: short protein forms T2491fs.
Identifiers: ClinVar variation 2899860 (VCV002899860.4), dbSNP rs1370898196, ClinGen allele CA592313356.
Genomic context (GRCh38, chr10:16,913,872, plus strand): 5'-ATCACATGCTCATTGTTGCAGGACGGATGCGTGGCCAGCCTCAGGTTGTTAAACATTAGG[G>GT]TGATCCGCCTTCCCTCCGGGGCAGTGATTCTCCACTCGCAGATCCGGCCATGAGGATTTG-3'